The following is an entry in ClinVar:

ClinVar aggregate classification (germline): Uncertain significance (1 of 4 stars; one submission).

Conditions:
MOGS-congenital disorder of glycosylation. Also called: CDG IIb; GLUCOSIDASE I DEFICIENCY; CDG 2B; MOGS-CDG. Identifiers: Orphanet 79330, MedGen C1853736, MONDO:0011629, OMIM 606056.

gnomAD v4.1: 2 of 1,614,112 alleles (0.00012%); highest among the groups gnomAD compares: African/African-American, 0.0027%; no homozygotes.

Submission:

Labcorp Genetics (formerly Invitae), Labcorp
Classification: Uncertain significance for MOGS-congenital disorder of glycosylation. Last evaluated: 2021-08-24. Review status: criteria provided, single submitter. Criteria: Invitae Variant Classification Sherloc (09022015). Collection method: clinical testing. Allele origin: germline.
Comment: This sequence change replaces glutamine with histidine at codon 388 of the MOGS protein (p.Gln388His). The glutamine residue is moderately conserved and there is a small physicochemical difference between glutamine and histidine. This variant is not present in population databases (ExAC no frequency). This variant has not been reported in the literature in individuals affected with MOGS-related conditions. Algorithms developed to predict the effect of missense changes on protein structure and function are either unavailable or do not agree on the potential impact of this missense change (SIFT: "Deleterious"; PolyPhen-2: "Possibly Damaging"; Align-GVGD: "Class C0"). In summary, the available evidence is currently insufficient to determine the role of this variant in disease. Therefore, it has been classified as a Variant of Uncertain Significance.

NM_006302.3(MOGS):c.1164G>C (p.Gln388His)

Gene: MOGS (mannosyl-oligosaccharide glucosidase; minus strand). Cytogenetic location: 2p13.1.
Variant type: single nucleotide variant.
Coding change: c.1164G>C on transcript NM_006302.3 (MANE Select); coding-DNA position 1164, G replaced by C.
Protein change: p.Gln388His; replaces glutamine 388 with histidine.
Molecular consequence: missense variant.
Genome position (GRCh38, 1-based): chr2:74,462,625, C>G on the plus strand (G>C on the coding strand, the complement: MOGS is on the minus strand). VCF-style: chr2-74462625-C-G. GRCh37 (hg19) VCF-style: chr2-74689752-C-G.
Other names: c.1164G>C, p.Gln388His (LRG_1226t1); c.846G>C, p.Gln282His (NM_001146158.2); short protein forms Q388H, Q282H.
Identifiers: ClinVar variation 534238 (VCV000534238.8), dbSNP rs781096789, ClinGen allele CA347376453.
Genomic context (GRCh38, chr2:74,462,625, plus strand): 5'-TTGTCCGTAGAAGTAGCCAATTCCACCAAGGAGGCCGCTGAGGGCAGCCTGACCCAAAAC[C>G]TGCTCGCCAGAGCTCAGGCCCTTCTCCTTCAGCTGGAAGGTCTTCTCAAAGCGCTCTCTA-3'
Protein context (NP_006293.2, residues 378-398): LKEKGLSSGE[Gln388His]VLGQAALSGL